The following is an entry in ClinVar:

NM_003482.4(KMT2D):c.6323dup (p.Gln2109fs)

Gene: KMT2D (lysine methyltransferase 2D; minus strand). Cytogenetic location: 12q13.12.
Variant type: Duplication.
Coding change: c.6323dup on transcript NM_003482.4 (MANE Select); coding-DNA position 6323, one base duplicated (C; older notation c.6323dupC).
Protein change: p.Gln2109fs; shifts the reading frame from glutamine 2109.
Molecular consequence: frameshift variant.
Genome position (GRCh38, 1-based): chr12:49,041,447, G duplicated on the plus strand (C on the coding strand, the reverse complement: KMT2D is on the minus strand); the first of 5 consecutive G bases (chr12:49,041,447-49,041,451); duplicating any one gives the same sequence. VCF-style (leftmost placement, unchanged base first): chr12-49041446-C-CG. GRCh37 (hg19) VCF-style: chr12-49435229-C-CG.
Other names: short protein forms Q2109fs.
Identifiers: ClinVar variation 1320193 (VCV001320193.1), dbSNP rs2120547138, ClinGen allele CA2573053684.
Genomic context (GRCh38, chr12:49,041,446, plus strand): 5'-GCTGCCAATGAAAATGGTGGGGGCAGCAGCGGGGGGCGGGCTGCCCAGTGCCCCTGGCTG[C>CG]GGGGGAATGCGGAGATGTAGGGCCGGTCGGTCAGTCTTACGGGCTATGTCGCCCACCTTG-3'

ClinVar aggregate classification (germline): Pathogenic (1 of 4 stars; one submission).

Conditions:
Kabuki syndrome 1 (KABUK1). Also called: KMT2D-Related Kabuki Syndrome. Identifiers: Orphanet 2322, MedGen CN030661, MONDO:0007843, OMIM 147920.

Submission:

3billion
Classification: Pathogenic for Kabuki syndrome 1. Last evaluated: 2021-10-02. Review status: criteria provided, single submitter. Criteria: ACMG Guidelines, 2015. Collection method: clinical testing. Allele origin: germline. Affected: yes. Observed: 1 heterozygote.
Comment: Frameshift: predicted to result in a loss or disruption of normal protein function through nonsense-mediated decay (NMD) or protein truncation. Multiple pathogenic variants are reported downstream of the variant (PVS1_VS). The variant was observed as assumed (i.e. paternity and maternity not confirmed) de novoo (3billion dataset, PM6). It is not observed in the gnomAD v2.1.1 dataset (PM2). Therefore, this variant is classified as pathogenic according to the recommendation of ACMG/AMP guideline.